The following is an entry in ClinVar:

NM_022725.4(FANCF):c.230_252del (p.Val77fs)

Gene: FANCF (FA complementation group F; minus strand). Cytogenetic location: 11p14.3.
Variant type: Deletion.
Coding change: c.230_252del on transcript NM_022725.4 (MANE Select); coding-DNA positions 230 to 252, 23 bases deleted (TTCCGGGATTAGCGAACTTCCAG).
Protein change: p.Val77fs; shifts the reading frame from valine 77.
Molecular consequence: frameshift variant.
Genome position (GRCh38, 1-based): chr11:22,625,559-22,625,581, CTGGAAGTTCGCTAATCCCGGAA deleted on the plus strand (TTCCGGGATTAGCGAACTTCCAG on the coding strand, the reverse complement: FANCF is on the minus strand); deleting any 23 consecutive bases within chr11:22,625,559-22,625,586 gives the same sequence; the c. name uses the placement nearest the transcript's 3' end. VCF-style (leftmost placement, unchanged base first): chr11-22625558-CCTGGAAGTTCGCTAATCCCGGAA-C. GRCh37 (hg19) VCF-style: chr11-22647104-CCTGGAAGTTCGCTAATCCCGGAA-C.
Other names: c.230_252delTTCCGGGATTAGCGAACTTCCAG (NM_022725.3).
Identifiers: ClinVar variation 6340 (VCV000006340.12), dbSNP rs730880277, ClinGen allele CA253842.

ClinVar aggregate classification (germline): Pathogenic. Review status: criteria provided, multiple submitters, no conflicts (2 of 4 stars). 4 submissions from 4 submitters: Pathogenic (3). 1 of the submissions does not count toward it. Last evaluated 2024-06-19.

Conditions:
Fanconi anemia (FA). Also called: Fanconi's anemia. Identifiers: Orphanet 84, MedGen C0015625, MeSH D005199, MONDO:0019391.
Fanconi anemia complementation group F. Also called: FANCF-Related Fanconi Anemia. Identifiers: Orphanet 84, MedGen C3469526, MONDO:0011325, OMIM 603467.

Submissions (4):

Fulgent Genetics
Classification: Pathogenic for Fanconi anemia complementation group F. Last evaluated: 2024-06-19. Review status: criteria provided, single submitter. Criteria: ACMG Guidelines, 2015. Collection method: clinical testing. Allele origin: germline.

Baylor Genetics
Classification: Pathogenic for Fanconi anemia complementation group F. Last evaluated: 2024-02-06. Review status: criteria provided, single submitter. Criteria: ACMG Guidelines, 2015. Collection method: clinical testing. Allele origin: unknown.

Labcorp Genetics (formerly Invitae), Labcorp
Classification: Pathogenic for Fanconi anemia. Last evaluated: 2023-07-07. Review status: criteria provided, single submitter. Criteria: Invitae Variant Classification Sherloc (09022015). Collection method: clinical testing. Allele origin: germline.
Comment: This variant is also known as 23 bp nt. 230-252. For these reasons, this variant has been classified as Pathogenic. This variant disrupts a region of the FANCF protein in which other variant(s) (Leu162Aspfs*103) have been determined to be pathogenic (PMID: 10615118, 26033879, 27714961, 28102861). This suggests that this is a clinically significant region of the protein, and that variants that disrupt it are likely to be disease-causing. Experimental studies have shown that this premature translational stop signal affects FANCF function (PMID: 10615118). Algorithms developed to predict the effect of variants on protein structure and function are not available or were not evaluated for this variant. ClinVar contains an entry for this variant (Variation ID: 6340). This premature translational stop signal has been observed in individual(s) with Fanconi-anemia (PMID: 10615118). This variant is present in population databases (rs730880277, gnomAD 0.01%). This sequence change creates a premature translational stop signal (p.Val77Glyfs*6) in the FANCF gene. While this is not anticipated to result in nonsense mediated decay, it is expected to disrupt the last 298 amino acid(s) of the FANCF protein.

OMIM
Classification: Pathogenic for FANCONI ANEMIA, COMPLEMENTATION GROUP F. Last evaluated: 2000-01-01. Review status: no assertion criteria provided. Collection method: literature only. Allele origin: germline. Not counted in ClinVar's aggregate classification.

Literature cited by the submitters: PubMed 10615118 (cited by Labcorp Genetics (formerly Invitae), Labcorp and OMIM); PubMed 26033879 (cited by Labcorp Genetics (formerly Invitae), Labcorp); PubMed 27714961 (cited by Labcorp Genetics (formerly Invitae), Labcorp); PubMed 28102861 (cited by Labcorp Genetics (formerly Invitae), Labcorp).